The following is an entry in ClinVar:

NM_025114.4(CEP290):c.4854G>T (p.Lys1618Asn)

Gene: CEP290 (centrosomal protein 290; minus strand). Cytogenetic location: 12q21.32.
Variant type: single nucleotide variant.
Coding change: c.4854G>T on transcript NM_025114.4 (MANE Select); coding-DNA position 4854, G replaced by T.
Protein change: p.Lys1618Asn; replaces lysine 1618 with asparagine.
Molecular consequence: missense variant.
Genome position (GRCh38, 1-based): chr12:88,083,189, C>A on the plus strand (G>T on the coding strand, the complement: CEP290 is on the minus strand). VCF-style: chr12-88083189-C-A. GRCh37 (hg19) VCF-style: chr12-88476966-C-A.
Other names: short protein forms K1618N.
Identifiers: ClinVar variation 310599 (VCV000310599.9), dbSNP rs747852436, ClinGen allele CA6711842.
Genomic context (GRCh38, chr12:88,083,189, plus strand): 5'-GGAAAGAGAGTCATCTTGTTCTGCTACTGTCTGTTCCATCTCAGCCAGACGAATAAAATG[C>A]TTGTTGGTAGGAACTGGAGTGGGAGACTGTTTCATTAAATCCTATAAAATATGAATATAT-3'
Protein context (NP_079390.3, residues 1608-1628): KQSPTPVPTN[Lys1618Asn]HFIRLAEMEQ

ClinVar aggregate classification (germline): Uncertain significance. Review status: criteria provided, multiple submitters, no conflicts (2 of 4 stars). 7 submissions from 3 submitters: Uncertain significance (7). Last evaluated 2024-02-27.

Conditions:
Meckel-Gruber syndrome. Also called: Dysencephalia splachnocystica; DYSENCEPHALIA SPLANCHNOCYSTICA; GRUBER SYNDROME. Identifiers: Orphanet 564, MedGen C0265215, MONDO:0018921.
Nephronophthisis. Also called: Juvenile Nephronophthisis. Identifiers: Orphanet 655, MedGen C0687120, MONDO:0019005, HP:0000090.
Joubert syndrome. Also called: Familial aplasia of the vermis; CEREBELLOPARENCHYMAL DISORDER IV; JOUBERT-BOLTSHAUSER SYNDROME. Identifiers: Orphanet 475, MedGen C5979921, MONDO:0018772.
Leber congenital amaurosis 10 (LCA10). Identifiers: Orphanet 65, MedGen C1857821, MONDO:0012723, OMIM 611755.
Meckel syndrome, type 4 (MKS4). Also called: MECKEL-GRUBER SYNDROME, TYPE 4. Identifiers: Orphanet 564, MedGen C1970161, MONDO:0012626, OMIM 611134.
Senior-Loken syndrome 6 (SLSN6). Identifiers: Orphanet 3156, MedGen C1857779, MONDO:0012433, OMIM 610189.
Joubert syndrome 5 (JBTS5). Identifiers: Orphanet 2318, MedGen C1857780, MONDO:0012432, OMIM 610188.
Bardet-Biedl syndrome 14 (BBS14). Identifiers: Orphanet 110, MedGen C2673874, MONDO:0014442, OMIM 615991.

Allele frequency attached by ClinVar (database versions not stated): gnomAD 0.00001; gnomAD exomes 0.00001; ExAC 0.00004; TOPMed 0.00004; 1000 Genomes Project 30x 0.00016.
gnomAD v4.1: 4 of 1,527,698 alleles (0.00026%); highest among the groups gnomAD compares: African/African-American, 0.0056%; no homozygotes.

Submissions (7):

Fulgent Genetics
Classification: Uncertain significance for Joubert syndrome 5; Senior-Loken syndrome 6; Meckel syndrome, type 4; Leber congenital amaurosis 10; Bardet-Biedl syndrome 14. Last evaluated: 2024-02-27. Review status: criteria provided, single submitter. Criteria: ACMG Guidelines, 2015. Collection method: clinical testing. Allele origin: germline.

Labcorp Genetics (formerly Invitae), Labcorp
Classification: Uncertain significance for Joubert syndrome; Meckel-Gruber syndrome; Nephronophthisis. Last evaluated: 2021-09-20. Review status: criteria provided, single submitter. Criteria: Invitae Variant Classification Sherloc (09022015). Collection method: clinical testing. Allele origin: germline.
Comment: This sequence change replaces lysine with asparagine at codon 1618 of the CEP290 protein (p.Lys1618Asn). The lysine residue is moderately conserved and there is a moderate physicochemical difference between lysine and asparagine. This variant is present in population databases (rs747852436, ExAC 0.03%). This variant has not been reported in the literature in individuals affected with CEP290-related conditions. ClinVar contains an entry for this variant (Variation ID: 310599). Algorithms developed to predict the effect of missense changes on protein structure and function (SIFT, PolyPhen-2, Align-GVGD) all suggest that this variant is likely to be tolerated. In summary, the available evidence is currently insufficient to determine the role of this variant in disease. Therefore, it has been classified as a Variant of Uncertain Significance.

Illumina Laboratory Services, Illumina
Classification: Uncertain significance for Meckel syndrome, type 4. Last evaluated: 2018-01-13. Review status: criteria provided, single submitter. Criteria: ICSL Variant Classification Criteria 13 December 2019. Collection method: clinical testing. Allele origin: germline.

Illumina Laboratory Services, Illumina
Classification: Uncertain significance for Leber congenital amaurosis 10. Last evaluated: 2018-01-13. Review status: criteria provided, single submitter. Criteria: ICSL Variant Classification Criteria 13 December 2019. Collection method: clinical testing. Allele origin: germline.

Illumina Laboratory Services, Illumina
Classification: Uncertain significance for Joubert syndrome 5. Last evaluated: 2018-01-13. Review status: criteria provided, single submitter. Criteria: ICSL Variant Classification Criteria 13 December 2019. Collection method: clinical testing. Allele origin: germline.

Illumina Laboratory Services, Illumina
Classification: Uncertain significance for Bardet-Biedl syndrome 14. Last evaluated: 2018-01-13. Review status: criteria provided, single submitter. Criteria: ICSL Variant Classification Criteria 13 December 2019. Collection method: clinical testing. Allele origin: germline.

Illumina Laboratory Services, Illumina
Classification: Uncertain significance for Senior-Loken syndrome 6. Last evaluated: 2018-01-13. Review status: criteria provided, single submitter. Criteria: ICSL Variant Classification Criteria 13 December 2019. Collection method: clinical testing. Allele origin: germline.